The following is an entry in ClinVar:

ClinVar aggregate classification (germline): Likely pathogenic. Review status: criteria provided, single submitter (1 of 4 stars). 2 submissions from 2 submitters: Likely pathogenic (1). 1 of the submissions does not count toward it. Last evaluated 2016-08-22.

Conditions:
Arrhythmogenic right ventricular cardiomyopathy (ARVD). Also called: Arrhythmogenic right ventricular dysplasia; Arrhythmogenic cardiomyopathy; Arrhythmogenic Right Ventricular Cardiomyopathy (ARVC); Cardiomyopathy, ARVC. Identifiers: Orphanet 247, MedGen C0349788, MeSH D019571, MONDO:0016587. Disease mechanism: loss of function. Inheritance: Various modes of inheritance.

Submissions (2):

GeneDx
Classification: Likely pathogenic. Last evaluated: 2016-08-22. Review status: criteria provided, single submitter. Criteria: GeneDx Variant Classification (06012015). Collection method: clinical testing. Allele origin: germline. Affected: yes.
Comment: The W550X variant in the DSP gene has not been reported as a pathogenic variant or as a benign variant to our knowledge. W550X is predicted to cause loss of normal protein function either by protein truncation or nonsense-mediated mRNA decay. Other downstream nonsense variants in the DSP gene have been reported in HGMD in association with cardiomyopathy (Stenson et al., 2014). Furthermore, the W550X variant was not observed in approximately 6,500 individuals of European and African American ancestry in the NHLBI Exome Sequencing Project, indicating it is not a common benign variant in these populations

Laboratory for Molecular Medicine, Mass General Brigham Personalized Medicine
Classification: Likely pathogenic for Arrhythmogenic right ventricular cardiomyopathy. Last evaluated: 2009-10-09. Review status: no assertion criteria provided. Collection method: clinical testing. Allele origin: germline. Observed: 1 variant allele. Not counted in ClinVar's aggregate classification.

NM_004415.4(DSP):c.1650G>A (p.Trp550Ter)

Gene: DSP (desmoplakin; plus strand). Cytogenetic location: 6p24.3.
Variant type: single nucleotide variant.
Coding change: c.1650G>A on transcript NM_004415.4 (MANE Select); coding-DNA position 1650, G replaced by A.
Protein change: p.Trp550Ter; replaces tryptophan 550 with a stop codon.
Molecular consequence: nonsense.
Genome position (GRCh38, 1-based): chr6:7,570,512, G>A. VCF-style: chr6-7570512-G-A. GRCh37 (hg19) VCF-style: chr6-7570745-G-A.
Other names: c.1650G>A, p.Trp550Ter (NM_001008844.3, NM_001319034.2); short protein forms W550*.
Identifiers: ClinVar variation 44865 (VCV000044865.5), dbSNP rs397516919, ClinGen allele CA005073.
Genomic context (GRCh38, chr6:7,570,512, plus strand): 5'-CGAAGCCATCTTGGCTCTGTGGAACCAGCTCTACATCAACATGAAGAGCCTGGTGTCCTG[G>A]CACTACTGCATGATTGACATAGAGAAGATCAGGGCCATGACAATCGCCAAGGTATGTCCT-3'